The following is an entry in ClinVar:

NM_001177693.2(ARHGEF28):c.4348G>A (p.Glu1450Lys)

Gene: ARHGEF28 (Rho guanine nucleotide exchange factor 28; plus strand). Cytogenetic location: 5q13.2.
Variant type: single nucleotide variant.
Coding change: c.4348G>A on transcript NM_001177693.2 (MANE Select); coding-DNA position 4348, G replaced by A.
Protein change: p.Glu1450Lys; replaces glutamic acid 1450 with lysine.
Molecular consequence: missense variant.
Genome position (GRCh38, 1-based): chr5:73,909,598, G>A. VCF-style: chr5-73909598-G-A. GRCh37 (hg19) VCF-style: chr5-73205423-G-A.
Other names: c.4348G>A, p.Glu1450Lys (NM_001080479.3, NM_001388078.1); c.3409G>A, p.Glu1137Lys (NM_001244364.2); c.4054G>A, p.Glu1352Lys (NM_001388076.1); short protein forms E1137K, E1352K, E1450K.
Identifiers: ClinVar variation 2631711 (VCV002631711.1), dbSNP rs2531181991, ClinGen allele CA360111202.

ClinVar aggregate classification (germline): Uncertain significance (1 of 4 stars; one submission).

Conditions:
ARHGEF28-related disorder. Also called: ARHGEF28-related condition.

Submission:

PreventionGenetics, part of Exact Sciences
Classification: Uncertain significance for ARHGEF28-related condition. Last evaluated: 2023-07-05. Review status: criteria provided, single submitter. Criteria: ACMG Guidelines, 2015. Collection method: clinical testing. Allele origin: germline.
Comment: The ARHGEF28 c.4348G>A variant is predicted to result in the amino acid substitution p.Glu1450Lys. To our knowledge, this variant has not been reported in the literature or in a large population database, indicating this variant is rare. At this time, the clinical significance of this variant is uncertain due to the absence of conclusive functional and genetic evidence.